The following is an entry in ClinVar:

ClinVar aggregate classification (germline): Uncertain significance (1 of 4 stars; one submission).

Submission:

CeGaT Center for Human Genetics Tuebingen
Classification: Uncertain significance. Last evaluated: 2024-08-01. Review status: criteria provided, single submitter. Criteria: CeGaT Center For Human Genetics Tuebingen Variant Classification Criteria Version 2. Collection method: clinical testing. Allele origin: germline. Affected: yes. Observed: 1 variant allele.
Comment: KY: PM2

NM_178554.6(KY):c.1438T>C (p.Cys480Arg)

Genes: CEP63 (centrosomal protein 63; plus strand), KY (kyphoscoliosis peptidase; minus strand), LOC123038188 (Sharpr-MPRA regulatory region 9743; plus strand). Cytogenetic location: 3q22.2.
Variant type: single nucleotide variant.
Coding change: c.1438T>C on transcript NM_178554.6 (MANE Select); coding-DNA position 1438, T replaced by C.
Protein change: p.Cys480Arg; replaces cysteine 480 with arginine.
Molecular consequence: missense variant.
Genome position (GRCh38, 1-based): chr3:134,604,127, A>G on the plus strand (T>C on the coding strand, the complement: KY is on the minus strand). VCF-style: chr3-134604127-A-G. GRCh37 (hg19) VCF-style: chr3-134322969-A-G.
Other names: c.1390T>C, p.Cys464Arg (NM_001350859.2); c.1375T>C, p.Cys459Arg (NM_001366276.1); short protein forms C459R, C464R, C480R.
Identifiers: ClinVar variation 2654165 (VCV002654165.24), dbSNP rs2547302943, ClinGen allele CA354626195.
Genomic context (GRCh38, chr3:134,604,127, plus strand): 5'-CATCCCCGTGGAGGGAAGCCAGGACATTAATGCCCTCCTCCACGCTGAAGCTGATGGAGC[A>G]GCGCCCGTCGCTGGTGTGGATGATAGGGTCAGGGTGGGAGGGCTTCATGATGCCCATCTG-3'
Protein context (NP_848649.3, residues 470-490): DPIIHTSDGR[Cys480Arg]SISFSVEEGI